The following is an entry in ClinVar:

ClinVar aggregate classification (germline): Uncertain significance (1 of 4 stars; one submission).

Submission:

Labcorp Genetics (formerly Invitae), Labcorp
Classification: Uncertain significance. Last evaluated: 2019-12-05. Review status: criteria provided, single submitter. Criteria: Invitae Variant Classification Sherloc (09022015). Collection method: clinical testing. Allele origin: germline.
Comment: This variant is not present in population databases (ExAC no frequency). This sequence change replaces serine with arginine at codon 127 of the SAMD11 protein (p.Ser127Arg). The serine residue is moderately conserved and there is a moderate physicochemical difference between serine and arginine. This variant has not been reported in the literature in individuals with SAMD11-related conditions. In summary, the available evidence is currently insufficient to determine the role of this variant in disease. Therefore, it has been classified as a Variant of Uncertain Significance. Algorithms developed to predict the effect of missense changes on protein structure and function output the following: SIFT: "Tolerated"; PolyPhen-2: "Benign"; Align-GVGD: "Class C0". The arginine amino acid residue is found in multiple mammalian species, suggesting that this missense change does not adversely affect protein function. These predictions have not been confirmed by published functional studies and their clinical significance is uncertain.

NM_001385641.1(SAMD11):c.918C>G (p.Ser306Arg)

Gene: SAMD11 (sterile alpha motif domain containing 11; plus strand). Cytogenetic location: 1p36.33.
Variant type: single nucleotide variant.
Coding change: c.918C>G on transcript NM_001385641.1 (MANE Select); coding-DNA position 918, C replaced by G.
Protein change: p.Ser306Arg; replaces serine 306 with arginine.
Molecular consequence: missense variant.
Genome position (GRCh38, 1-based): chr1:935,847, C>G. VCF-style: chr1-935847-C-G. GRCh37 (hg19) VCF-style: chr1-871227-C-G.
Other names: c.918C>G, p.Ser306Arg (NM_001385640.1); c.381C>G, p.Ser127Arg (NM_152486.4); short protein forms S127R, S306R.
Identifiers: ClinVar variation 862561 (VCV000862561.9), dbSNP rs375122052, ClinGen allele CA337797739.